The following is an entry in ClinVar:

ClinVar aggregate classification (germline): Uncertain significance (1 of 4 stars; one submission).

Conditions:
Chédiak-Higashi syndrome (CHS). Also called: Chediak-Higashi Syndrome. Identifiers: Orphanet 167, MedGen C0007965, MONDO:0008963, OMIM 214500.

Submission:

Labcorp Genetics (formerly Invitae), Labcorp
Classification: Uncertain significance for Chédiak-Higashi syndrome. Last evaluated: 2021-04-06. Review status: criteria provided, single submitter. Criteria: Invitae Variant Classification Sherloc (09022015). Collection method: clinical testing. Allele origin: germline.
Comment: This sequence change replaces glutamic acid with lysine at codon 3285 of the LYST protein (p.Glu3285Lys). The glutamic acid residue is highly conserved and there is a small physicochemical difference between glutamic acid and lysine. This variant is not present in population databases (ExAC no frequency). In summary, the available evidence is currently insufficient to determine the role of this variant in disease. Therefore, it has been classified as a Variant of Uncertain Significance. Algorithms developed to predict the effect of missense changes on protein structure and function are either unavailable or do not agree on the potential impact of this missense change (SIFT: "Deleterious"; PolyPhen-2: "Probably Damaging"; Align-GVGD: "Class C0"). This variant has not been reported in the literature in individuals with LYST-related conditions.

NM_000081.4(LYST):c.9853G>A (p.Glu3285Lys)

Gene: LYST (lysosomal trafficking regulator; minus strand). Cytogenetic location: 1q42.3.
Variant type: single nucleotide variant.
Coding change: c.9853G>A on transcript NM_000081.4 (MANE Select); coding-DNA position 9853, G replaced by A.
Protein change: p.Glu3285Lys; replaces glutamic acid 3285 with lysine.
Molecular consequence: missense variant.
Genome position (GRCh38, 1-based): chr1:235,712,129, C>T on the plus strand (G>A on the coding strand, the complement: LYST is on the minus strand). VCF-style: chr1-235712129-C-T. GRCh37 (hg19) VCF-style: chr1-235875429-C-T.
Other names: c.9853G>A, p.Glu3285Lys (NM_001301365.1); short protein forms E3285K.
Identifiers: ClinVar variation 1475121 (VCV001475121.7), dbSNP rs2527381001, ClinGen allele CA344937650.